The following is an entry in ClinVar:

NM_032620.4(GTPBP3):c.1131C>A (p.Asp377Glu)

Gene: GTPBP3 (GTP binding protein 3, mitochondrial; plus strand). Cytogenetic location: 19p13.11.
Variant type: single nucleotide variant.
Coding change: c.1131C>A on transcript NM_032620.4 (MANE Select); coding-DNA position 1131, C replaced by A.
Protein change: p.Asp377Glu; replaces aspartic acid 377 with glutamic acid.
Molecular consequence: missense variant.
Genome position (GRCh38, 1-based): chr19:17,341,200, C>A. VCF-style: chr19-17341200-C-A. GRCh37 (hg19) VCF-style: chr19-17452009-C-A.
Other names: c.1068C>A, p.Asp356Glu (NM_001128855.3); c.1197C>A, p.Asp399Glu (NM_001195422.1); c.1227C>A, p.Asp409Glu (NM_133644.4); c.1227C>A (NM_133644.3); short protein forms D356E, D399E, D377E, D409E.
Identifiers: ClinVar variation 1955596 (VCV001955596.6), dbSNP rs759530754, ClinGen allele CA404738866.

ClinVar aggregate classification (germline): Uncertain significance. Review status: criteria provided, multiple submitters, no conflicts (2 of 4 stars). 2 submissions from 2 submitters: Uncertain significance (2). Last evaluated 2025-12-15.

Conditions:
Inborn genetic diseases. Identifiers: MedGen C0950123, MeSH D030342.

gnomAD v4.1: 2 of 1,610,596 alleles (0.00012%); highest among the groups gnomAD compares: Admixed American, 0.0033%; no homozygotes.

Submissions (2):

Ambry Genetics
Classification: Uncertain significance for Inborn genetic diseases. Last evaluated: 2025-12-15. Review status: criteria provided, single submitter. Criteria: Ambry Variant Classification Scheme 2023. Collection method: clinical testing. Allele origin: germline.

Labcorp Genetics (formerly Invitae), Labcorp
Classification: Uncertain significance. Last evaluated: 2022-08-08. Review status: criteria provided, single submitter. Criteria: Invitae Variant Classification Sherloc (09022015). Collection method: clinical testing. Allele origin: germline.
Comment: In summary, the available evidence is currently insufficient to determine the role of this variant in disease. Therefore, it has been classified as a Variant of Uncertain Significance. Algorithms developed to predict the effect of missense changes on protein structure and function (SIFT, PolyPhen-2, Align-GVGD) all suggest that this variant is likely to be disruptive. This variant has not been reported in the literature in individuals affected with GTPBP3-related conditions. The frequency data for this variant in the population databases is considered unreliable, as metrics indicate poor data quality at this position in the gnomAD database. This sequence change replaces aspartic acid, which is acidic and polar, with glutamic acid, which is acidic and polar, at codon 409 of the GTPBP3 protein (p.Asp409Glu).